The following is an entry in ClinVar:

NM_007294.4(BRCA1):c.3015dup (p.His1006fs)

Gene: BRCA1 (BRCA1 DNA repair associated; minus strand). Cytogenetic location: 17q21.31.
Variant type: Duplication.
Coding change: c.3015dup on transcript NM_007294.4 (MANE Select); coding-DNA position 3015, one base duplicated (A; older notation c.3015dupA).
Protein change: p.His1006fs; shifts the reading frame from histidine 1006.
Molecular consequence: frameshift variant. On other transcripts: intron variant (137).
Genome position (GRCh38, 1-based): chr17:43,092,516, T duplicated on the plus strand (A on the coding strand, the reverse complement: BRCA1 is on the minus strand); the first of 2 consecutive T bases (chr17:43,092,516-43,092,517); duplicating either gives the same sequence. VCF-style (leftmost placement, unchanged base first): chr17-43092515-G-GT. GRCh37 (hg19) VCF-style: chr17-41244532-G-GT.
Other names: c.2802dup, p.His935fs (NM_001407571.1, NM_001407853.1, NM_001407894.1 and 9 more transcripts); c.3015dup, p.His1006fs (NM_001407581.1, NM_001407582.1, NM_001407583.1 and 30 more transcripts); c.3012dup, p.His1005fs (NM_001407587.1, NM_001407590.1, NM_001407591.1 and 22 more transcripts); c.3015dup (NM_007294.3); c.3006dup, p.His1003fs (NM_001407646.1, NM_001407647.1); c.2892dup, p.His965fs (NM_001407648.1, NM_001407664.1, NM_001407665.1 and 19 more transcripts); c.2889dup, p.His964fs (NM_001407649.1, NM_001407670.1, NM_001407671.1 and 11 more transcripts); c.2937dup, p.His980fs (NM_001407653.1, NM_001407654.1, NM_001407655.1 and 4 more transcripts); and 42 more; short protein forms H959fs, H1006fs, H878fs, H935fs, H936fs, H939fs, H980fs, H894fs.
Identifiers: ClinVar variation 936488 (VCV000936488.9), dbSNP rs886038008, ClinGen allele CA1139665621.
Genomic context (GRCh38, chr17:43,092,515, plus strand): 5'-TTGTGCTCACTGTACTTGGAATGTTCTCATTTCCCATTTCTCTTTCAGGTGACATTGAAT[G>GT]TTCCTCAAAGTTTTCCTCTAGCAGATTTTTCTTACATTTAGTTTTAACAAATGACTTGAT-3'

ClinVar aggregate classification (germline): Pathogenic (1 of 4 stars; one submission).

Conditions:
Hereditary breast ovarian cancer syndrome. Also called: BRCA1- and BRCA2-Associated Hereditary Breast and Ovarian Cancer; Hereditary breast and/or ovarian cancer syndrome; Hereditary breast and ovarian cancer syndrome; Hereditary breast and ovarian cancer; Breast and ovarian cancer; Hereditary breast and ovarian cancer syndrome (HBOC). Identifiers: Orphanet 145, MedGen C0677776, MeSH D061325, MONDO:0003582. Disease mechanism: loss of function.

Submission:

Labcorp Genetics (formerly Invitae), Labcorp
Classification: Pathogenic for Hereditary breast ovarian cancer syndrome. Last evaluated: 2022-08-23. Review status: criteria provided, single submitter. Criteria: Invitae Variant Classification Sherloc (09022015). Collection method: clinical testing. Allele origin: germline.
Comment: For these reasons, this variant has been classified as Pathogenic. ClinVar contains an entry for this variant (Variation ID: 936488). This variant has not been reported in the literature in individuals affected with BRCA1-related conditions. This variant is not present in population databases (gnomAD no frequency). This sequence change creates a premature translational stop signal (p.His1006Thrfs*6) in the BRCA1 gene. It is expected to result in an absent or disrupted protein product. Loss-of-function variants in BRCA1 are known to be pathogenic (PMID: 20104584).

Literature cited by the submitters: PubMed 20104584.